The following is an entry in ClinVar:

ClinVar aggregate classification (germline): Uncertain significance. Review status: criteria provided, multiple submitters, no conflicts (2 of 4 stars). 3 submissions from 3 submitters: Uncertain significance (3). Last evaluated 2025-11-03.

Conditions:
Inborn genetic diseases. Identifiers: MedGen C0950123, MeSH D030342.
Donnai-Barrow syndrome. Also called: DBS/FOAR SYNDROME; FACIOOCULOACOUSTICORENAL SYNDROME. Identifiers: Orphanet 2143, MedGen C1857277, MONDO:0009104, OMIM 222448.

Allele frequency attached by ClinVar (database versions not stated): gnomAD exomes below 0.00001; ExAC 0.00001; gnomAD 0.00002; TOPMed 0.00003.
gnomAD v4.1: 91 of 1,613,846 alleles (0.0056%); highest among the groups gnomAD compares: Non-Finnish European, 0.0074%; no homozygotes.

Submissions (3):

Ambry Genetics
Classification: Uncertain significance for Inborn genetic diseases. Last evaluated: 2025-11-03. Review status: criteria provided, single submitter. Criteria: Ambry Variant Classification Scheme 2023. Collection method: clinical testing. Allele origin: germline.

Labcorp Genetics (formerly Invitae), Labcorp
Classification: Uncertain significance. Last evaluated: 2022-06-11. Review status: criteria provided, single submitter. Criteria: Invitae Variant Classification Sherloc (09022015). Collection method: clinical testing. Allele origin: germline.
Comment: This sequence change replaces valine, which is neutral and non-polar, with methionine, which is neutral and non-polar, at codon 1820 of the LRP2 protein (p.Val1820Met). This variant is present in population databases (rs753390400, gnomAD 0.0009%). This variant has not been reported in the literature in individuals affected with LRP2-related conditions. Advanced modeling of protein sequence and biophysical properties (such as structural, functional, and spatial information, amino acid conservation, physicochemical variation, residue mobility, and thermodynamic stability) performed at Invitae indicates that this missense variant is not expected to disrupt LRP2 protein function. In summary, the available evidence is currently insufficient to determine the role of this variant in disease. Therefore, it has been classified as a Variant of Uncertain Significance.

Fulgent Genetics
Classification: Uncertain significance for Donnai-Barrow syndrome. Last evaluated: 2022-04-19. Review status: criteria provided, single submitter. Criteria: ACMG Guidelines, 2015. Collection method: clinical testing. Allele origin: unknown.

NM_004525.3(LRP2):c.5458G>A (p.Val1820Met)

Gene: LRP2 (LDL receptor related protein 2; minus strand). Cytogenetic location: 2q31.1.
Variant type: single nucleotide variant.
Coding change: c.5458G>A on transcript NM_004525.3 (MANE Select); coding-DNA position 5458, G replaced by A.
Protein change: p.Val1820Met; replaces valine 1820 with methionine.
Molecular consequence: missense variant.
Genome position (GRCh38, 1-based): chr2:169,225,390, C>T on the plus strand (G>A on the coding strand, the complement: LRP2 is on the minus strand). VCF-style: chr2-169225390-C-T. GRCh37 (hg19) VCF-style: chr2-170081900-C-T.
Other names: c.5458G>A (NM_004525.2); short protein forms V1820M.
Identifiers: ClinVar variation 1417012 (VCV001417012.8), dbSNP rs753390400, ClinGen allele CA1954529.